The following is an entry in ClinVar:

NM_014780.5(CUL7):c.4108G>A (p.Gly1370Arg)

Gene: CUL7 (cullin 7; minus strand). Cytogenetic location: 6p21.1.
Variant type: single nucleotide variant.
Coding change: c.4108G>A on transcript NM_014780.5 (MANE Select); coding-DNA position 4108, G replaced by A.
Protein change: p.Gly1370Arg; replaces glycine 1370 with arginine.
Molecular consequence: missense variant.
Genome position (GRCh38, 1-based): chr6:43,040,342, C>T on the plus strand (G>A on the coding strand, the complement: CUL7 is on the minus strand). VCF-style: chr6-43040342-C-T. GRCh37 (hg19) VCF-style: chr6-43008080-C-T.
Other names: c.4204G>A, p.Gly1402Arg (NM_001168370.2, NM_001374872.1); c.4108G>A, p.Gly1370Arg (NM_001374873.1); c.4105G>A, p.Gly1369Arg (NM_001374874.1); short protein forms G1369R, G1370R, G1402R.
Identifiers: ClinVar variation 2420726 (VCV002420726.6), dbSNP rs1438213551, ClinGen allele CA364195521.

ClinVar aggregate classification (germline): Uncertain significance (1 of 4 stars; one submission).

Allele frequency attached by ClinVar (database versions not stated): gnomAD exomes below 0.00001; gnomAD 0.00001; TOPMed 0.00001.
gnomAD v4.1: 6 of 1,613,698 alleles (0.00037%); highest among the groups gnomAD compares: Non-Finnish European, 0.00051%; no homozygotes.

Submission:

Labcorp Genetics (formerly Invitae), Labcorp
Classification: Uncertain significance. Last evaluated: 2022-06-15. Review status: criteria provided, single submitter. Criteria: Invitae Variant Classification Sherloc (09022015). Collection method: clinical testing. Allele origin: germline.
Comment: In summary, the available evidence is currently insufficient to determine the role of this variant in disease. Therefore, it has been classified as a Variant of Uncertain Significance. Algorithms developed to predict the effect of missense changes on protein structure and function (SIFT, PolyPhen-2, Align-GVGD) all suggest that this variant is likely to be tolerated. This variant has not been reported in the literature in individuals affected with CUL7-related conditions. This variant is present in population databases (no rsID available, gnomAD 0.002%). This sequence change replaces glycine, which is neutral and non-polar, with arginine, which is basic and polar, at codon 1370 of the CUL7 protein (p.Gly1370Arg).